The following is an entry in ClinVar:

NM_138694.4(PKHD1):c.3463_3464dup (p.Gln1155fs)

Gene: PKHD1 (PKHD1 ciliary IPT domain containing fibrocystin/polyductin; minus strand). Cytogenetic location: 6p12.2.
Variant type: Microsatellite.
Coding change: c.3463_3464dup on transcript NM_138694.4 (MANE Select); coding-DNA positions 3463 to 3464, 2 bases duplicated (CA; older notation c.3463_3464dupCA).
Protein change: p.Gln1155fs; shifts the reading frame from glutamine 1155.
Molecular consequence: frameshift variant.
Genome position (GRCh38, 1-based): chr6:52,028,252-52,028,253, TG duplicated on the plus strand (CA on the coding strand, the reverse complement: PKHD1 is on the minus strand); duplicating any 2 consecutive bases within chr6:52,028,252-52,028,259 gives the same sequence; the c. name uses the placement nearest the transcript's 3' end. VCF-style (leftmost placement, unchanged base first): chr6-52028251-C-CTG. GRCh37 (hg19) VCF-style: chr6-51893049-C-CTG.
Other names: c.3463_3464dup, p.Gln1155fs (NM_170724.3); short protein forms Q1155fs.
Identifiers: ClinVar variation 555557 (VCV000555557.8), dbSNP rs1554200778, ClinGen allele CA658823235.
Genomic context (GRCh38, chr6:52,028,251, plus strand): 5'-GGAAATTCTGTGGAGACCAGCTGGCAGTGGGGGCAGTGCCACCTCCAGGCCCCAAGCCGA[C>CTG]TGTGTGTGAACCGGAGCCAAGGCATCCTGGACGTGGACTTCCACATCCAAATCCGTATAG-3'

ClinVar aggregate classification (germline): Pathogenic. Review status: criteria provided, single submitter (1 of 4 stars). 2 submissions from 2 submitters: Pathogenic (1). 1 of the submissions does not count toward it. Last evaluated 2021-02-12.

Conditions:
Polycystic kidney disease 4 (PKD4). Also called: POLYCYSTIC KIDNEY DISEASE 4 WITH OR WITHOUT POLYCYSTIC LIVER DISEASE; POLYCYSTIC KIDNEY AND HEPATIC DISEASE 1; POLYCYSTIC KIDNEY DISEASE, INFANTILE, TYPE I; PKD3; Autosomal Recessive Polycystic Kidney Disease – PKHD1. Identifiers: MedGen C4540575, MONDO:0033004, OMIM 263200.
Autosomal recessive polycystic kidney disease (ARPKD). Also called: AR polycystic kidney disease. Identifiers: Orphanet 731, Orphanet 8378, MedGen C0085548, MeSH D017044, MONDO:0009889.

Submissions (2):

Labcorp Genetics (formerly Invitae), Labcorp
Classification: Pathogenic for Autosomal recessive polycystic kidney disease. Last evaluated: 2021-02-12. Review status: criteria provided, single submitter. Criteria: Invitae Variant Classification Sherloc (09022015). Collection method: clinical testing. Allele origin: germline.
Comment: For these reasons, this variant has been classified as Pathogenic. This variant has not been reported in the literature in individuals with PKHD1-related conditions. This variant is not present in population databases (ExAC no frequency). This sequence change creates a premature translational stop signal (p.Gln1155Hisfs*66) in the PKHD1 gene. It is expected to result in an absent or disrupted protein product. Loss-of-function variants in PKHD1 are known to be pathogenic (PMID: 19940839).

Counsyl
Classification: Likely pathogenic for Polycystic kidney disease 4. Last evaluated: 2017-12-15. Review status: no assertion criteria provided. Collection method: clinical testing. Allele origin: unknown. Not counted in ClinVar's aggregate classification.

Literature cited by the submitters: PubMed 19940839 (cited by Labcorp Genetics (formerly Invitae), Labcorp).